The following is an entry in ClinVar:

ClinVar aggregate classification (germline): Conflicting classifications of pathogenicity. Review status: criteria provided, conflicting classifications (1 of 4 stars). 2 submissions from 2 submitters: Uncertain significance (1); Likely benign (1). Last evaluated 2025-11-24.

Allele frequency attached by ClinVar (database versions not stated): gnomAD 0.00001; TOPMed 0.00001; gnomAD exomes 0.00002 and 0.00006.
gnomAD v4.1: 86 of 1,596,346 alleles (0.0054%); highest among the groups gnomAD compares: Non-Finnish European, 0.0072%; no homozygotes.

Submissions (2):

Labcorp Genetics (formerly Invitae), Labcorp
Classification: Uncertain significance. Last evaluated: 2025-11-24. Review status: criteria provided, single submitter. Criteria: Invitae Variant Classification Sherloc (09022015). Collection method: clinical testing. Allele origin: germline.
Comment: This sequence change replaces aspartic acid, which is acidic and polar, with valine, which is neutral and non-polar, at codon 112 of the TNNI3K protein (p.Asp112Val). This variant is present in population databases (rs201775126, gnomAD 0.005%). This variant has not been reported in the literature in individuals affected with TNNI3K-related conditions. ClinVar contains an entry for this variant (Variation ID: 1355902). An algorithm developed to predict the effect of missense changes on protein structure and function (PolyPhen-2) suggests that this variant is likely to be tolerated. In summary, the available evidence is currently insufficient to determine the role of this variant in disease. Therefore, it has been classified as a Variant of Uncertain Significance.

Blueprint Genetics
Classification: Likely benign. Last evaluated: 2024-06-10. Review status: criteria provided, single submitter. Criteria: ACMG Guidelines, 2015. Collection method: clinical testing. Allele origin: germline.

NM_015978.3(TNNI3K):c.335A>T (p.Asp112Val)

Genes: FPGT-TNNI3K (FPGT-TNNI3K readthrough; plus strand), TNNI3K (TNNI3 interacting kinase; plus strand). Cytogenetic location: 1p31.1.
Variant type: single nucleotide variant.
Coding change: c.335A>T on transcript NM_015978.3 (MANE Select); coding-DNA position 335, A replaced by T.
Protein change: p.Asp112Val; replaces aspartic acid 112 with valine.
Molecular consequence: missense variant.
Genome position (GRCh38, 1-based): chr1:74,271,599, A>T. VCF-style: chr1-74271599-A-T. GRCh37 (hg19) VCF-style: chr1-74737283-A-T.
Other names: c.638A>T, p.Asp213Val (NM_001112808.3, NM_001199327.2); short protein forms D112V, D213V.
Identifiers: ClinVar variation 1355902 (VCV001355902.9), dbSNP rs201775126, ClinGen allele CA24501191.
Genomic context (GRCh38, chr1:74,271,599, plus strand): 5'-CACAGCTTTTGAACCTGTTATTAGCAGAAAAGTAACACTAAAGATATGTTTCCTTACAGG[A>T]TAATGCAGAATTGATCACTTCTCTGCTTCACAGTGGAGCTGATATACAGCAGGTTGGATA-3'
Protein context (NP_057062.1, residues 102-122): FTALHLAVYK[Asp112Val]NAELITSLLH